The following is an entry in ClinVar:

ClinVar aggregate classification (germline): Conflicting classifications of pathogenicity. Review status: criteria provided, conflicting classifications (1 of 4 stars). 8 submissions from 8 submitters: Uncertain significance (7); Likely benign (1). Last evaluated 2026-05-10.

Conditions:
Hereditary nonpolyposis colorectal neoplasms. Identifiers: MedGen C0009405, MeSH D003123.
Hereditary cancer-predisposing syndrome. Also called: Tumor predisposition; Hereditary Cancer Syndrome; Hereditary neoplastic syndrome; Neoplastic Syndromes, Hereditary. Identifiers: Orphanet 140162, MedGen C0027672, MeSH D009386, MONDO:0015356.
Lynch syndrome. Identifiers: Orphanet 144, MedGen C4552100, MONDO:0005835. Disease mechanism: loss of function.
Endometrial carcinoma. Also called: Endometrial carcinoma, somatic. Identifiers: MedGen C0476089, MONDO:0002447, OMIM 608089, HP:0012114.

Allele frequency attached by ClinVar (database versions not stated): gnomAD 0.00001; ExAC 0.00001; gnomAD exomes 0.00001.
gnomAD v4.1: 14 of 1,613,728 alleles (0.00087%); highest among the groups gnomAD compares: East Asian, 0.0022%; no homozygotes.

Submissions (8):

Ambry Genetics
Classification: Uncertain significance for Hereditary cancer-predisposing syndrome. Last evaluated: 2026-05-10. Review status: criteria provided, single submitter. Criteria: Ambry Variant Classification Scheme 2023. Collection method: clinical testing. Allele origin: germline.
Comment: The c.2875C>T (p.R959C) alteration is located in exon 4 (coding exon 4) of the MSH6 gene. This alteration results from a C to T substitution at nucleotide position 2875, causing the arginine (R) at amino acid position 959 to be replaced by a cysteine (C). Based on data from gnomAD, the T allele has an overall frequency of 0.002% (5/281492) total alleles studied. The highest observed frequency was 0.005% (1/19912) of East Asian alleles. Based on insufficient or conflicting evidence, the clinical significance of this alteration remains unclear.

Labcorp Genetics (formerly Invitae), Labcorp
Classification: Likely benign for Hereditary nonpolyposis colorectal neoplasms. Last evaluated: 2026-01-21. Review status: criteria provided, single submitter. Criteria: Invitae Variant Classification Sherloc (09022015). Collection method: clinical testing. Allele origin: germline.

Color Diagnostics, LLC DBA Color Health
Classification: Uncertain significance for Hereditary cancer-predisposing syndrome. Last evaluated: 2025-04-28. Review status: criteria provided, single submitter. Criteria: ACMG Guidelines, 2015. Collection method: clinical testing. Allele origin: germline.
Comment: This missense variant replaces arginine with cysteine at codon 959 of the MSH6 protein. Computational prediction suggests that this variant may have deleterious impact on protein structure and function. To our knowledge, functional studies have not been reported for this variant. This variant has been reported in an individual affected with breast and/or ovarian cancer (PMID: 26898890). This variant has been identified in 5/281492 chromosomes in the general population by the Genome Aggregation Database (gnomAD). The available evidence is insufficient to determine the role of this variant in disease conclusively. Therefore, this variant is classified as a Variant of Uncertain Significance.

Center for Genomic Medicine, Rigshospitalet, Copenhagen University Hospital
Classification: Uncertain significance. Last evaluated: 2025-03-04. Review status: criteria provided, single submitter. Criteria: ACMG Guidelines, 2015. Collection method: clinical testing. Allele origin: germline.

GeneDx
Classification: Uncertain significance. Last evaluated: 2025-02-05. Review status: criteria provided, single submitter. Criteria: GeneDx Variant Classification Process June 2021. Collection method: clinical testing. Allele origin: germline. Affected: yes.
Comment: Not observed at significant frequency in large population cohorts (gnomAD); In silico analysis supports that this missense variant has a deleterious effect on protein structure/function; Observed in individuals with personal and/or family history of breast, ovarian, or colorectal cancer (PMID: 26898890, 33809179, 34326862, 30426508); This variant is associated with the following publications: (PMID: 27067391, 33809179, 17531815, 21120944, 34326862, 30426508, 26898890)

All of Us Research Program, National Institutes of Health
Classification: Uncertain significance for Lynch syndrome. Last evaluated: 2023-12-01. Review status: criteria provided, single submitter. Criteria: ACMG Guidelines, 2015. Collection method: clinical testing. Allele origin: germline. Inheritance: Autosomal dominant inheritance. Observed: 4 variant alleles, 4 heterozygotes.
Comment: This missense variant replaces arginine with cysteine at codon 959 of the MSH6 protein. Computational prediction suggests that this variant may have deleterious impact on protein structure and function (internally defined REVEL score threshold >= 0.7, PMID: 27666373). To our knowledge, functional studies have not been reported for this variant. This variant has been reported in an individual affected with breast and/or ovarian cancer (PMID: 26898890). This variant has been identified in 5/281492 chromosomes in the general population by the Genome Aggregation Database (gnomAD). The available evidence is insufficient to determine the role of this variant in disease conclusively. Therefore, this variant is classified as a Variant of Uncertain Significance.

This study involves interpretation of variants in research participants for the purpose of population health screening. Participant phenotype was not available at the time of variant classification. Additional details can be found in publication PMID: 35346344, PMCID: PMC8962531

Baylor Genetics
Classification: Uncertain significance for Endometrial carcinoma. Last evaluated: 2023-08-25. Review status: criteria provided, single submitter. Criteria: ACMG Guidelines, 2015. Collection method: clinical testing. Allele origin: unknown.

Women's Health and Genetics/Laboratory Corporation of America, LabCorp
Classification: Uncertain significance. Last evaluated: 2021-06-14. Review status: criteria provided, single submitter. Criteria: LabCorp Variant Classification Summary - May 2015. Collection method: clinical testing. Allele origin: germline.
Comment: Variant summary: MSH6 c.2875C>T (p.Arg959Cys) results in a non-conservative amino acid change located in the DNA mismatch repair protein MutS, core domain (IPR007696) of the encoded protein sequence. Three of five in-silico tools predict a damaging effect of the variant on protein function. The variant allele was found at a frequency of 1.2e-05 in 250096 control chromosomes. The available data on variant occurrences in the general population are insufficient to allow any conclusion about variant significance. c.2875C>T has been reported in the literature in individuals affected with Hereditary Breast and Ovarian Cancer without strong evidence for causality (e.g. Caminsky_2016, Schubert_2019). In addition, a somatic occurrence of c.2875C>T has been reported in at least one tumor from a patient with Lynch-Like colorectal cancer (e.g. Golubicki_2021). These reports do not provide unequivocal conclusions about association of the variant with Lynch Syndrome. To our knowledge, no experimental evidence demonstrating an impact on protein function has been reported. Four clinical diagnostic laboratories have submitted clinical-significance assessments for this variant to ClinVar after 2014 without evidence for independent evaluation. All laboratories cited the variant as uncertain significance. Based on the evidence outlined above, the variant was classified as uncertain significance.

Literature cited by the submitters: PubMed 26898890 (cited by 3 submitters); PubMed 30426508 (cited by Women's Health and Genetics/Laboratory Corporation of America, LabCorp); PubMed 33809179 (cited by Women's Health and Genetics/Laboratory Corporation of America, LabCorp).

NM_000179.3(MSH6):c.2875C>T (p.Arg959Cys)

Gene: MSH6 (mutS homolog 6; plus strand). Cytogenetic location: 2p16.3.
Variant type: single nucleotide variant.
Coding change: c.2875C>T on transcript NM_000179.3 (MANE Select); coding-DNA position 2875, C replaced by T.
Protein change: p.Arg959Cys; replaces arginine 959 with cysteine.
Molecular consequence: missense variant.
Genome position (GRCh38, 1-based): chr2:47,800,858, C>T. VCF-style: chr2-47800858-C-T. GRCh37 (hg19) VCF-style: chr2-48027997-C-T.
Other names: c.2485C>T, p.Arg829Cys (NM_001281492.2); c.1969C>T, p.Arg657Cys (NM_001281493.2, NM_001281494.2); short protein forms R959C, R657C, R829C.
Identifiers: ClinVar variation 186374 (VCV000186374.30), dbSNP rs751973865, ClinGen allele CA011024.